The following is an entry in ClinVar:

ClinVar aggregate classification (germline): Pathogenic (1 of 4 stars; one submission).

Conditions:
Young syndrome (CILD55). Also called: CILIARY DYSKINESIA, PRIMARY, 55; AZOOSPERMIA, OBSTRUCTIVE, AND CHRONIC SINOPULMONARY INFECTIONS; SINUSITIS-INFERTILITY SYNDROME; Young's syndrome. Identifiers: Orphanet 3471, MedGen C0340037, MONDO:0010220, OMIM 279000.

gnomAD v4.1: 13 of 1,533,372 alleles (0.00085%); highest among the groups gnomAD compares: East Asian, 0.0025%; no homozygotes.

Submission:

3billion
Classification: Pathogenic for Young syndrome. Last evaluated: 2025-12-11. Review status: criteria provided, single submitter. Criteria: ACMG Guidelines, 2015. Collection method: clinical testing. Allele origin: germline. Affected: yes.
Comment: The variant is observed at an extremely low frequency in the gnomAD v4.1.0 dataset (total allele frequency: <0.001%). Predicted Consequence/Location: Stop-gained (nonsense): predicted to result in a loss or disruption of normal protein function through nonsense-mediated decay (NMD) or protein truncation. Multiple pathogenic variants are reported downstream of the variant. Therefore, this variant is classified as Pathogenic according to the recommendation of ACMG/AMP guideline.

NM_001271049.2(CFAP221):c.391C>T (p.Arg131Ter)

Gene: CFAP221 (cilia and flagella associated protein 221; plus strand). Cytogenetic location: 2q14.2.
Variant type: single nucleotide variant.
Coding change: c.391C>T on transcript NM_001271049.2 (MANE Select); coding-DNA position 391, C replaced by T.
Protein change: p.Arg131Ter; replaces arginine 131 with a stop codon.
Molecular consequence: nonsense. On other transcripts: non-coding transcript variant (2).
Genome position (GRCh38, 1-based): chr2:119,559,991, C>T. VCF-style: chr2-119559991-C-T. GRCh37 (hg19) VCF-style: chr2-120317567-C-T.
Other names: short protein forms R131*.
Identifiers: ClinVar variation 4853905 (VCV004853905.1).
Genomic context (GRCh38, chr2:119,559,991, plus strand): 5'-CACCACCTGGTCCCTGGCTTGTCCCTCACGGTCACCGTTACATTTTCTCCAGATGAGTGG[C>T]GATACTATTATGACTGCATCCGTGTTCACTGTAAGGTAGGTCTCTTAAAATTGCTTTTTT-3'